The following is an entry in ClinVar:

NM_021927.3(GUF1):c.563C>T (p.Ser188Leu)

Gene: GUF1 (GTP binding elongation factor GUF1; plus strand). Cytogenetic location: 4p12.
Variant type: single nucleotide variant.
Coding change: c.563C>T on transcript NM_021927.3 (MANE Select); coding-DNA position 563, C replaced by T.
Protein change: p.Ser188Leu; replaces serine 188 with leucine.
Molecular consequence: missense variant. On other transcripts: 5 prime UTR variant (2).
Genome position (GRCh38, 1-based): chr4:44,682,389, C>T. VCF-style: chr4-44682389-C-T. GRCh37 (hg19) VCF-style: chr4-44684406-C-T.
Other names: c.-406C>T (NM_001345867.2); c.563C>T, p.Ser188Leu (NM_001345868.2); c.-410C>T (NM_001345869.2); short protein forms S188L.
Identifiers: ClinVar variation 1942903 (VCV001942903.5), dbSNP rs1260978644, ClinGen allele CA356761557.

ClinVar aggregate classification (germline): Uncertain significance (1 of 4 stars; one submission).

Allele frequency attached by ClinVar (database versions not stated): TOPMed below 0.00001; gnomAD exomes 0.00001.
gnomAD v4.1: 11 of 1,526,866 alleles (0.00072%); highest among the groups gnomAD compares: South Asian, 0.0039%; no homozygotes.

Submission:

Labcorp Genetics (formerly Invitae), Labcorp
Classification: Uncertain significance. Last evaluated: 2022-02-12. Review status: criteria provided, single submitter. Criteria: Invitae Variant Classification Sherloc (09022015). Collection method: clinical testing. Allele origin: germline.
Comment: Algorithms developed to predict the effect of missense changes on protein structure and function output the following: SIFT: "Tolerated"; PolyPhen-2: "Benign"; Align-GVGD: "Class C0". The leucine amino acid residue is found in multiple mammalian species, which suggests that this missense change does not adversely affect protein function. In summary, the available evidence is currently insufficient to determine the role of this variant in disease. Therefore, it has been classified as a Variant of Uncertain Significance. This sequence change replaces serine, which is neutral and polar, with leucine, which is neutral and non-polar, at codon 188 of the GUF1 protein (p.Ser188Leu). The frequency data for this variant in the population databases is considered unreliable, as metrics indicate poor data quality at this position in the gnomAD database. This variant has not been reported in the literature in individuals affected with GUF1-related conditions.